The following is an entry in ClinVar:

NM_000061.3(BTK):c.1117C>A (p.Leu373Ile)

Gene: BTK (Bruton tyrosine kinase; minus strand). Cytogenetic location: Xq22.1.
Variant type: single nucleotide variant.
Coding change: c.1117C>A on transcript NM_000061.3 (MANE Select); coding-DNA position 1117, C replaced by A.
Protein change: p.Leu373Ile; replaces leucine 373 with isoleucine.
Molecular consequence: missense variant. On other transcripts: intron variant (1).
Genome position (GRCh38, 1-based): chrX:101,357,569, G>T on the plus strand (C>A on the coding strand, the complement: BTK is on the minus strand). VCF-style: chrX-101357569-G-T. GRCh37 (hg19) VCF-style: chrX-100612557-G-T.
Other names: c.1219C>A, p.Leu407Ile (NM_001287344.2); c.1038+805C>A (NM_001287345.2); short protein forms L373I, L407I.
Identifiers: ClinVar variation 4710829 (VCV004710829.1).
Genomic context (GRCh38, chrX:101,357,569, plus strand): 5'-CGTATCCCAGGCCTGCAGTGGAAGGTGCATTCTTGTTTTGTTGAGACACTGGATATTTGA[G>T]CCTGGATATGAGTCCTGAAACAGAGAGAGAGGTCATGCTGTTGGTGTGGTGTAGGAGGTG-3'
Protein context (NP_000052.1, residues 363-383): QHNSAGLISR[Leu373Ile]KYPVSQQNKN

ClinVar aggregate classification (germline): Likely pathogenic (1 of 4 stars; one submission).

Conditions:
X-linked agammaglobulinemia with growth hormone deficiency (IGHD3). Also called: HYPOGAMMAGLOBULINEMIA AND ISOLATED GROWTH HORMONE DEFICIENCY, X-LINKED; IGHD III; AGAMMAGLOBULINEMIA AND ISOLATED GROWTH HORMONE DEFICIENCY, X-LINKED; FLEISHER SYNDROME; ISOLATED GROWTH HORMONE DEFICIENCY, TYPE III, WITH AGAMMAGLOBULINEMIA; Isolated growth hormone deficiency type 3. Identifiers: Orphanet 231692, Orphanet 631, MedGen C0472813, MONDO:0010615, OMIM 307200.

Submission:

Labcorp Genetics (formerly Invitae), Labcorp
Classification: Likely pathogenic for X-linked agammaglobulinemia with growth hormone deficiency. Last evaluated: 2025-05-24. Review status: criteria provided, single submitter. Criteria: Invitae Variant Classification Sherloc (09022015). Collection method: clinical testing. Allele origin: germline.
Comment: This sequence change replaces leucine, which is neutral and non-polar, with isoleucine, which is neutral and non-polar, at codon 373 of the BTK protein (p.Leu373Ile). This variant is not present in population databases (gnomAD no frequency). This missense change has been observed in individual(s) with X-linked agammaglobulinemia (PMID: 32552675). Invitae Evidence Modeling of protein sequence and biophysical properties (such as structural, functional, and spatial information, amino acid conservation, physicochemical variation, residue mobility, and thermodynamic stability) indicates that this missense variant is expected to disrupt BTK protein function with a positive predictive value of 95%. This variant disrupts the p.Leu373 amino acid residue in BTK. Other variant(s) that disrupt this residue have been observed in individuals with BTK-related conditions (PMID: 25316352, 26931785), which suggests that this may be a clinically significant amino acid residue. In summary, the currently available evidence indicates that the variant is pathogenic, but additional data are needed to prove that conclusively. Therefore, this variant has been classified as Likely Pathogenic.

Literature cited by the submitters: PubMed 32552675; PubMed 25316352; PubMed 26931785.